The following is an entry in ClinVar:

NM_001166108.2(PALLD):c.1999A>G (p.Ile667Val)

Gene: PALLD (palladin, cytoskeletal associated protein; plus strand). Cytogenetic location: 4q32.3.
Variant type: single nucleotide variant.
Coding change: c.1999A>G on transcript NM_001166108.2 (MANE Select); coding-DNA position 1999, A replaced by G.
Protein change: p.Ile667Val; replaces isoleucine 667 with valine.
Molecular consequence: missense variant. On other transcripts: 5 prime UTR variant (4).
Genome position (GRCh38, 1-based): chr4:168,890,956, A>G. VCF-style: chr4-168890956-A-G. GRCh37 (hg19) VCF-style: chr4-169812107-A-G.
Other names: c.853A>G, p.Ile285Val (NM_001166109.2); c.538A>G, p.Ile180Val (NM_001166110.2); c.-123A>G (NM_001367567.1, NM_001367568.1, NM_001367569.1 and 1 more transcripts); c.1999A>G, p.Ile667Val (NM_016081.4); short protein forms I180V, I285V, I667V.
Identifiers: ClinVar variation 2560487 (VCV002560487.2), dbSNP rs2533586968, ClinGen allele CA358797126.

ClinVar aggregate classification (germline): Uncertain significance (1 of 4 stars; one submission).

Submission:

Ambry Genetics
Classification: Uncertain significance. Last evaluated: 2023-06-05. Review status: criteria provided, single submitter. Criteria: Ambry Variant Classification Scheme 2023. Collection method: clinical testing. Allele origin: germline.
Comment: The p.I667V variant (also known as c.1999A>G), located in coding exon 10 of the PALLD gene, results from an A to G substitution at nucleotide position 1999. The isoleucine at codon 667 is replaced by valine, an amino acid with highly similar properties. This amino acid position is conserved. In addition, this alteration is predicted to be tolerated by in silico analysis. Since supporting evidence is limited at this time, the clinical significance of this alteration remains unclear.